The following is an entry in ClinVar:

NM_001321120.2(TBX4):c.932C>T (p.Ser311Leu)

Gene: TBX4 (T-box transcription factor 4; plus strand). Cytogenetic location: 17q23.2.
Variant type: single nucleotide variant.
Coding change: c.932C>T on transcript NM_001321120.2 (MANE Select); coding-DNA position 932, C replaced by T.
Protein change: p.Ser311Leu; replaces serine 311 with leucine.
Molecular consequence: missense variant.
Genome position (GRCh38, 1-based): chr17:61,480,230, C>T. VCF-style: chr17-61480230-C-T. GRCh37 (hg19) VCF-style: chr17-59557591-C-T.
Other names: c.932C>T, p.Ser311Leu (LRG_1206t1, NM_018488.3); short protein forms S311L.
Identifiers: ClinVar variation 324256 (VCV000324256.16), dbSNP rs202061937, ClinGen allele CA8689968.

ClinVar aggregate classification (germline): Benign. Review status: criteria provided, multiple submitters, no conflicts (2 of 4 stars). 3 submissions from 3 submitters: Benign (2). 1 of the submissions does not count toward it. Last evaluated 2025-11-10.

Conditions:
TBX4-related disorder. Also called: TBX4-related condition; TBX4-related disorders.
Coxopodopatellar syndrome. Also called: ISCHIOCOXOPODOPATELLAR SYNDROME WITH OR WITHOUT PULMONARY ARTERIAL HYPERTENSION; ISCHIOCOXOPODOPATELLAR SYNDROME; PATELLA APLASIA, COXA VARA, AND TARSAL SYNOSTOSIS; ISCHIOPATELLAR DYSPLASIA; SCOTT-TAOR SYNDROME; Congenital coxa vara, patella aplasia and tarsal synostosis. Identifiers: Orphanet 1509, MedGen C1840061, MONDO:0007841, OMIM 147891.

Allele frequency attached by ClinVar (database versions not stated): gnomAD 0.00029 and 0.00030; gnomAD exomes 0.00036 and 0.00177; 1000 Genomes Project 0.00040; 1000 Genomes Project 30x 0.00047; TOPMed 0.00099; ExAC 0.00137.
gnomAD v4.1: 560 of 1,614,142 alleles (0.035%); highest among the groups gnomAD compares: Admixed American, 0.9%; 4 homozygotes.

Submissions (3):

Labcorp Genetics (formerly Invitae), Labcorp
Classification: Benign. Last evaluated: 2025-11-10. Review status: criteria provided, single submitter. Criteria: Invitae Variant Classification Sherloc (09022015). Collection method: clinical testing. Allele origin: germline.

Illumina Laboratory Services, Illumina
Classification: Benign for Coxopodopatellar syndrome. Last evaluated: 2018-01-12. Review status: criteria provided, single submitter. Criteria: ICSL Variant Classification Criteria 13 December 2019. Collection method: clinical testing. Allele origin: germline.
Comment: This variant was observed in the ICSL laboratory as part of a predisposition screen in an ostensibly healthy population. It had not been previously curated by ICSL or reported in the Human Gene Mutation Database (HGMD: prior to June 1st, 2018), and was therefore a candidate for classification through an automated scoring system. Utilizing variant allele frequency, disease prevalence and penetrance estimates, and inheritance mode, an automated score was calculated to assess if this variant is too frequent to cause the disease. Based on the score and internal cut-off values, a variant classified as benign is not then subjected to further curation. The score for this variant resulted in a classification of benign for this disease.

PreventionGenetics, part of Exact Sciences
Classification: Benign for TBX4-related condition. Last evaluated: 2019-07-15. Review status: no assertion criteria provided. Collection method: clinical testing. Allele origin: germline. Not counted in ClinVar's aggregate classification.
Comment: This variant is classified as benign based on ACMG/AMP sequence variant interpretation guidelines (Richards et al. 2015 PMID: 25741868, with internal and published modifications).